The following is an entry in ClinVar:

ClinVar aggregate classification (germline): Uncertain significance (1 of 4 stars; one submission).

Conditions:
Okur-Chung neurodevelopmental syndrome (OCNDS). Identifiers: Orphanet 689422, MedGen C4310739, MONDO:0014893, OMIM 617062.

Allele frequency attached by ClinVar (database versions not stated): gnomAD exomes below 0.00001.
gnomAD v4.1: 5 of 1,610,778 alleles (0.00031%); highest among the groups gnomAD compares: Non-Finnish European, 0.00042%; no homozygotes.

Submission:

Baylor Genetics
Classification: Uncertain significance for Okur-Chung neurodevelopmental syndrome. Last evaluated: 2019-10-03. Review status: criteria provided, single submitter. Criteria: ACMG Guidelines, 2015. Collection method: clinical testing. Allele origin: unknown. Affected: yes.
Comment: This variant was determined to be of uncertain significance according to ACMG Guidelines, 2015 [PMID:25741868].

NM_177559.3(CSNK2A1):c.1088C>A (p.Pro363His)

Gene: CSNK2A1 (casein kinase 2 alpha 1; minus strand). Cytogenetic location: 20p13.
Variant type: single nucleotide variant.
Coding change: c.1088C>A on transcript NM_177559.3 (MANE Select); coding-DNA position 1088, C replaced by A.
Protein change: p.Pro363His; replaces proline 363 with histidine.
Molecular consequence: missense variant.
Genome position (GRCh38, 1-based): chr20:484,049, G>T on the plus strand (C>A on the coding strand, the complement: CSNK2A1 is on the minus strand). VCF-style: chr20-484049-G-T. GRCh37 (hg19) VCF-style: chr20-464693-G-T.
Other names: c.1088C>A, p.Pro363His (NM_001362770.2, NM_001362771.2, NM_001895.4); c.680C>A, p.Pro227His (NM_177560.3); short protein forms P227H, P363H.
Identifiers: ClinVar variation 1029545 (VCV001029545.1), dbSNP rs1193280723, ClinGen allele CA407955397.
Genomic context (GRCh38, chr20:484,049, plus strand): 5'-ACAGGCATCCCAAGGGGGTTGGCAGCAGCAATCACTGGTGAGCCTGCCAGAGGTCCAAGG[G>T]GTGAAGGGGTTGGCACTGAAGAAATCCCTGAAAGAAAAGAGCTGTCAGTGAGCCAAAGAC-3'
Protein context (NP_808227.1, residues 353-373): SGISSVPTPS[Pro363His]LGPLAGSPVI